The following is an entry in ClinVar:

ClinVar aggregate classification (germline): Likely benign (1 of 4 stars; one submission).

Allele frequency attached by ClinVar (database versions not stated): TOPMed 0.00003; gnomAD 0.00013; 1000 Genomes Project 30x 0.00078; 1000 Genomes Project 0.00080.
gnomAD v4.1: 41 of 212,642 alleles (0.019%); highest among the groups gnomAD compares: South Asian, 0.37%; 2 homozygotes.

Submission:

CeGaT Center for Human Genetics Tuebingen
Classification: Likely benign. Last evaluated: 2023-02-01. Review status: criteria provided, single submitter. Criteria: CeGaT Center For Human Genetics Tuebingen Variant Classification Criteria Version 2. Collection method: clinical testing. Allele origin: germline. Affected: yes. Observed: 1 variant allele.
Comment: PAFAH1B1: BS1

NM_000430.4(PAFAH1B1):c.-191+19285C>G

Gene: PAFAH1B1 (platelet activating factor acetylhydrolase 1b regulatory subunit 1; plus strand). Cytogenetic location: 17p13.3.
Variant type: single nucleotide variant.
Coding change: c.-191+19285C>G on transcript NM_000430.4 (MANE Select); 19285 bases into the intron after 191 bases upstream of the start codon, C replaced by G.
Molecular consequence: intron variant.
Genome position (GRCh38, 1-based): chr17:2,613,291, C>G. VCF-style: chr17-2613291-C-G. GRCh37 (hg19) VCF-style: chr17-2516585-C-G.
Identifiers: ClinVar variation 2647218 (VCV002647218.24), dbSNP rs577447220, ClinGen allele CA286565974.
Genomic context (GRCh38, chr17:2,613,291, plus strand): 5'-GCTCCTGGGAGTTTGTGTGGCCCCACCCCCCACCCACCCCTGGCCACTTCAGCACAGAGG[C>G]TGGGAAGGGTCTGGGGGCCCTGGAAGCAGAGCCAAGGTCCCATTTTCTTGCTTGGGCGAA-3'